The following is an entry in ClinVar:

NM_004447.6(EPS8):c.1184A>G (p.Asn395Ser)

Gene: EPS8 (EGFR pathway substrate 8, signaling adaptor; minus strand). Cytogenetic location: 12p12.3.
Variant type: single nucleotide variant.
Coding change: c.1184A>G on transcript NM_004447.6 (MANE Select); coding-DNA position 1184, A replaced by G.
Protein change: p.Asn395Ser; replaces asparagine 395 with serine.
Molecular consequence: missense variant. On other transcripts: non-coding transcript variant (3).
Genome position (GRCh38, 1-based): chr12:15,654,211, T>C on the plus strand (A>G on the coding strand, the complement: EPS8 is on the minus strand). VCF-style: chr12-15654211-T-C. GRCh37 (hg19) VCF-style: chr12-15807145-T-C.
Other names: c.1184A>G, p.Asn395Ser (NM_001413831.1, NM_001413832.1, NM_001413833.1 and 2 more transcripts); c.944A>G, p.Asn315Ser (NM_001413835.1, NM_001413836.1); c.767A>G, p.Asn256Ser (NM_001413837.1); c.404A>G, p.Asn135Ser (NM_001413838.1); short protein forms N135S, N256S, N315S, N395S.
Identifiers: ClinVar variation 2506640 (VCV002506640.2), dbSNP rs368788728, ClinGen allele CA6467643.

ClinVar aggregate classification (germline): Uncertain significance. Review status: criteria provided, multiple submitters, no conflicts (2 of 4 stars). 2 submissions from 2 submitters: Uncertain significance (2). Last evaluated 2024-01-09.

Conditions:
Inborn genetic diseases. Identifiers: MedGen C0950123, MeSH D030342.

Allele frequency attached by ClinVar (database versions not stated): gnomAD exomes 0.00001; TOPMed 0.00001; ExAC 0.00002; ESP Exome Variant Server 0.00008.
gnomAD v4.1: 16 of 1,613,716 alleles (0.00099%); highest among the groups gnomAD compares: Non-Finnish European, 0.0014%; no homozygotes.

Submissions (2):

Ambry Genetics
Classification: Uncertain significance for Inborn genetic diseases. Last evaluated: 2024-01-09. Review status: criteria provided, single submitter. Criteria: Ambry Variant Classification Scheme 2023. Collection method: clinical testing. Allele origin: germline.

GeneDx
Classification: Uncertain significance. Last evaluated: 2022-12-23. Review status: criteria provided, single submitter. Criteria: GeneDx Variant Classification Process June 2021. Collection method: clinical testing. Allele origin: germline. Affected: yes.
Comment: Not observed at significant frequency in large population cohorts (gnomAD); In silico analysis supports that this missense variant does not alter protein structure/function; Has not been previously published as pathogenic or benign to our knowledge